The following is an entry in ClinVar:

NM_001369.3(DNAH5):c.4637_4638insCTGTCTCTTATAC (p.Gln1546fs)

Genes: DNAH5 (dynein axonemal heavy chain 5; minus strand), DNAH5-AS1 (DNAH5 antisense RNA 1; plus strand). Cytogenetic location: 5p15.2.
Variant type: Insertion.
Coding change: c.4637_4638insCTGTCTCTTATAC on transcript NM_001369.3 (MANE Select); coding-DNA positions 4637 to 4638, CTGTCTCTTATAC inserted.
Protein change: p.Gln1546fs; shifts the reading frame from glutamine 1546.
Molecular consequence: frameshift variant.
Genome position: GRCh38 VCF-style: chr5-13862706-T-TGTATAAGAGACAG. GRCh37 (hg19) VCF-style: chr5-13862815-T-TGTATAAGAGACAG.
Other names: short protein forms Q1546fs.
Identifiers: ClinVar variation 5011096 (VCV005011096.1).

ClinVar aggregate classification (germline): Pathogenic (1 of 4 stars; one submission).

Conditions:
Primary ciliary dyskinesia 3. Identifiers: Orphanet 244, MedGen C1837618, MONDO:0012085, OMIM 608644.

Submission:

Myriad Genetics, Inc.
Classification: Pathogenic for Primary ciliary dyskinesia 3. Last evaluated: 2024-05-14. Review status: criteria provided, single submitter. Criteria: Myriad Autosomal Dominant, Autosomal Recessive and X-Linked Classification Criteria (2023). Collection method: clinical testing. Allele origin: unknown.
Comment: NM_001369.2(DNAH5):c.4637_4638ins13(Q1546Hfs*12) is expected to be pathogenic in the context of primary ciliary dyskinesia, DNAH5-related. This variant is predicted to lead to an abnormal or absent protein product due to the creation of a premature termination codon in DNAH5, a gene where loss-of-function variants are known to be pathogenic. Please note: this variant was assessed in the context of healthy population screening.